The following is an entry in ClinVar:

NM_177438.3(DICER1):c.2444A>T (p.His815Leu)

Gene: DICER1 (dicer 1, ribonuclease III; minus strand). Cytogenetic location: 14q32.13.
Variant type: single nucleotide variant.
Coding change: c.2444A>T on transcript NM_177438.3 (MANE Select); coding-DNA position 2444, A replaced by T.
Protein change: p.His815Leu; replaces histidine 815 with leucine.
Molecular consequence: missense variant.
Genome position (GRCh38, 1-based): chr14:95,108,086, T>A on the plus strand (A>T on the coding strand, the complement: DICER1 is on the minus strand). VCF-style: chr14-95108086-T-A. GRCh37 (hg19) VCF-style: chr14-95574423-T-A.
Other names: c.2444A>T, p.His815Leu (NM_001195573.1, NM_001271282.3, NM_001291628.2 and 1 more transcripts); short protein forms H815L.
Identifiers: ClinVar variation 650042 (VCV000650042.11), dbSNP rs1595380919, ClinGen allele CA390882016.

ClinVar aggregate classification (germline): Uncertain significance. Review status: criteria provided, multiple submitters, no conflicts (2 of 4 stars). 2 submissions from 2 submitters: Uncertain significance (2). Last evaluated 2025-08-06.

Conditions:
DICER1-related tumor predisposition. Also called: DICER1-related pleuropulmonary blastoma cancer predisposition syndrome; DICER1 syndrome. Identifiers: Orphanet 284343, MedGen C3839822, MONDO:0100216.
Hereditary cancer-predisposing syndrome. Also called: Hereditary Cancer Syndrome; Tumor predisposition; Neoplastic Syndromes, Hereditary; Hereditary neoplastic syndrome. Identifiers: Orphanet 140162, MedGen C0027672, MeSH D009386, MONDO:0015356.

Submissions (2):

Labcorp Genetics (formerly Invitae), Labcorp
Classification: Uncertain significance for DICER1-related tumor predisposition. Last evaluated: 2025-08-06. Review status: criteria provided, single submitter. Criteria: Invitae Variant Classification Sherloc (09022015). Collection method: clinical testing. Allele origin: germline.
Comment: This sequence change replaces histidine, which is basic and polar, with leucine, which is neutral and non-polar, at codon 815 of the DICER1 protein (p.His815Leu). This variant is not present in population databases (gnomAD no frequency). This variant has not been reported in the literature in individuals affected with DICER1-related conditions. ClinVar contains an entry for this variant (Variation ID: 650042). Invitae Evidence Modeling of protein sequence and biophysical properties (such as structural, functional, and spatial information, amino acid conservation, physicochemical variation, residue mobility, and thermodynamic stability) indicates that this missense variant is not expected to disrupt DICER1 protein function with a negative predictive value of 95%. In summary, the available evidence is currently insufficient to determine the role of this variant in disease. Therefore, it has been classified as a Variant of Uncertain Significance.

Ambry Genetics
Classification: Uncertain significance for Hereditary cancer-predisposing syndrome. Last evaluated: 2024-07-07. Review status: criteria provided, single submitter. Criteria: Ambry Variant Classification Scheme 2023. Collection method: clinical testing. Allele origin: germline.
Comment: The p.H815L variant (also known as c.2444A>T), located in coding exon 15 of the DICER1 gene, results from an A to T substitution at nucleotide position 2444. The histidine at codon 815 is replaced by leucine, an amino acid with similar properties. This amino acid position is conserved. In addition, the in silico prediction for this alteration is inconclusive. Based on the available evidence, the clinical significance of this variant remains unclear.